The following is an entry in ClinVar:

NM_006767.4(LZTR1):c.1939A>T (p.Ile647Phe)

Gene: LZTR1 (leucine zipper like post translational regulator 1; plus strand). Cytogenetic location: 22q11.21.
Variant type: single nucleotide variant.
Coding change: c.1939A>T on transcript NM_006767.4 (MANE Select); coding-DNA position 1939, A replaced by T.
Protein change: p.Ile647Phe; replaces isoleucine 647 with phenylalanine.
Molecular consequence: missense variant.
Genome position (GRCh38, 1-based): chr22:20,995,023, A>T. VCF-style: chr22-20995023-A-T. GRCh37 (hg19) VCF-style: chr22-21349312-A-T.
Other names: short protein forms I647F.
Identifiers: ClinVar variation 1783012 (VCV001783012.2), dbSNP rs148916790, ClinGen allele CA410778791.

ClinVar aggregate classification (germline): Uncertain significance (1 of 4 stars; one submission).

Conditions:
Hereditary cancer-predisposing syndrome. Also called: Neoplastic Syndromes, Hereditary; Tumor predisposition; Hereditary Cancer Syndrome; Hereditary neoplastic syndrome. Identifiers: Orphanet 140162, MedGen C0027672, MeSH D009386, MONDO:0015356.
Cardiovascular phenotype. Identifiers: MedGen CN230736.

Submission:

Ambry Genetics
Classification: Uncertain significance for Cardiovascular phenotype; Hereditary cancer-predisposing syndrome. Last evaluated: 2022-03-15. Review status: criteria provided, single submitter. Criteria: Ambry Variant Classification Scheme 2023. Collection method: clinical testing. Allele origin: germline.
Comment: The p.I647F variant (also known as c.1939A>T), located in coding exon 16 of the LZTR1 gene, results from an A to T substitution at nucleotide position 1939. The isoleucine at codon 647 is replaced by phenylalanine, an amino acid with highly similar properties. This amino acid position is conserved. In addition, the in silico prediction for this alteration is inconclusive. Since supporting evidence is limited at this time, the clinical significance of this alteration remains unclear.